The following is an entry in ClinVar:

NM_004738.5(VAPB):c.512A>T (p.Glu171Val)

Gene: VAPB (VAMP associated protein B and C; plus strand). Cytogenetic location: 20q13.32.
Variant type: single nucleotide variant.
Coding change: c.512A>T on transcript NM_004738.5 (MANE Select); coding-DNA position 512, A replaced by T.
Protein change: p.Glu171Val; replaces glutamic acid 171 with valine.
Molecular consequence: missense variant. On other transcripts: non-coding transcript variant (1), intron variant (1).
Genome position (GRCh38, 1-based): chr20:58,441,022, A>T. VCF-style: chr20-58441022-A-T. GRCh37 (hg19) VCF-style: chr20-57016078-A-T.
Other names: c.212-3055A>T (NM_001195677.2); short protein forms E171V.
Identifiers: ClinVar variation 2928614 (VCV002928614.3), dbSNP rs574879541, ClinGen allele CA316275989.

ClinVar aggregate classification (germline): Uncertain significance (1 of 4 stars; one submission).

Conditions:
Amyotrophic lateral sclerosis type 8 (ALS8). Identifiers: Orphanet 803, MedGen C1837728, MONDO:0012077, OMIM 608627.
Adult-onset proximal spinal muscular atrophy, autosomal dominant. Also called: Spinal muscular atrophy, late-onset, finkel type; FINKEL LATE-ADULT TYPE SMA. Identifiers: Orphanet 209335, MedGen C1854058, MONDO:0008453, OMIM 182980.

Allele frequency attached by ClinVar (database versions not stated): gnomAD exomes below 0.00001.
gnomAD v4.1: 2 of 1,614,118 alleles (0.00012%); highest among the groups gnomAD compares: Non-Finnish European, 0.00017%; no homozygotes.

Submission:

Labcorp Genetics (formerly Invitae), Labcorp
Classification: Uncertain significance for Adult-onset proximal spinal muscular atrophy, autosomal dominant; Amyotrophic lateral sclerosis type 8. Last evaluated: 2024-01-12. Review status: criteria provided, single submitter. Criteria: Invitae Variant Classification Sherloc (09022015). Collection method: clinical testing. Allele origin: germline.
Comment: This sequence change replaces glutamic acid, which is acidic and polar, with valine, which is neutral and non-polar, at codon 171 of the VAPB protein (p.Glu171Val). This variant is not present in population databases (gnomAD no frequency). This variant has not been reported in the literature in individuals affected with VAPB-related conditions. Advanced modeling of protein sequence and biophysical properties (such as structural, functional, and spatial information, amino acid conservation, physicochemical variation, residue mobility, and thermodynamic stability) performed at Invitae indicates that this missense variant is not expected to disrupt VAPB protein function with a negative predictive value of 80%. In summary, the available evidence is currently insufficient to determine the role of this variant in disease. Therefore, it has been classified as a Variant of Uncertain Significance.